The following is an entry in ClinVar:

ClinVar aggregate classification (germline): Pathogenic (1 of 4 stars; one submission).

Conditions:
Ethylmalonic encephalopathy (EE). Also called: Syndrome of encephalopathy, petechiae, and ethylmalonic aciduria; EPEMA syndrome; Encephalopathy, petechiae, and ethylmalonic aciduria. Identifiers: Orphanet 51188, MedGen C1865349, MONDO:0011229, OMIM 602473. Disease mechanism: loss of function.

Submission:

Labcorp Genetics (formerly Invitae), Labcorp
Classification: Pathogenic for Ethylmalonic encephalopathy. Last evaluated: 2022-08-10. Review status: criteria provided, single submitter. Criteria: Invitae Variant Classification Sherloc (09022015). Collection method: clinical testing. Allele origin: germline.
Comment: For these reasons, this variant has been classified as Pathogenic. ClinVar contains an entry for this variant (Variation ID: 1379077). This variant has not been reported in the literature in individuals affected with ETHE1-related conditions. This variant is not present in population databases (gnomAD no frequency). This sequence change creates a premature translational stop signal (p.Gly138Alafs*7) in the ETHE1 gene. It is expected to result in an absent or disrupted protein product. Loss-of-function variants in ETHE1 are known to be pathogenic (PMID: 14732903, 19136963).

Literature cited by the submitters: PubMed 14732903; PubMed 19136963.

NM_014297.5(ETHE1):c.413del (p.Gly138fs)

Gene: ETHE1 (ETHE1 persulfide dioxygenase; minus strand). Cytogenetic location: 19q13.31.
Variant type: Deletion.
Coding change: c.413del on transcript NM_014297.5 (MANE Select); coding-DNA position 413, one base deleted (G; older notation c.413delG).
Protein change: p.Gly138fs; shifts the reading frame from glycine 138.
Molecular consequence: frameshift variant.
Genome position (GRCh38, 1-based): chr19:43,511,529, C deleted on the plus strand (G on the coding strand, the reverse complement: ETHE1 is on the minus strand); the first of 2 consecutive C bases (chr19:43,511,529-43,511,530); deleting either gives the same sequence. VCF-style (leftmost placement, unchanged base first): chr19-43511528-GC-G. GRCh37 (hg19) VCF-style: chr19-44015680-GC-G.
Other names: c.380del, p.Gly127fs (NM_001320867.2); c.44del, p.Gly15fs (NM_001320868.2); c.119del, p.Gly40fs (NM_001320869.2); short protein forms G15fs, G127fs, G138fs, G40fs.
Identifiers: ClinVar variation 1379077 (VCV001379077.6), dbSNP rs2145984865, ClinGen allele CA2573156434.